The following is an entry in ClinVar:

NM_001267550.2(TTN):c.25415G>C (p.Ser8472Thr)

Gene: TTN (titin; minus strand). Cytogenetic location: 2q31.2.
Variant type: single nucleotide variant.
Coding change: c.25415G>C on transcript NM_001267550.2 (MANE Select); coding-DNA position 25415, G replaced by C.
Protein change: p.Ser8472Thr; replaces serine 8472 with threonine.
Molecular consequence: missense variant. On other transcripts: intron variant (3).
Genome position (GRCh38, 1-based): chr2:178,717,319, C>G on the plus strand (G>C on the coding strand, the complement: TTN is on the minus strand). VCF-style: chr2-178717319-C-G. GRCh37 (hg19) VCF-style: chr2-179582046-C-G.
Other names: c.24464G>C, p.Ser8155Thr (NM_001256850.1); c.21683G>C, p.Ser7228Thr (NM_133378.4); c.13282+20763G>C (NM_003319.4); c.13858+20763G>C (NM_133437.4); c.13657+20763G>C (NM_133432.3); short protein forms S7228T, S8155T, S8472T.
Identifiers: ClinVar variation 5039148 (VCV005039148.1).

ClinVar aggregate classification (germline): Uncertain significance (1 of 4 stars; one submission).

gnomAD v4.1: 36 of 1,613,500 alleles (0.0022%); highest among the groups gnomAD compares: Admixed American, 0.005%; no homozygotes.

Submission:

CeGaT Center for Human Genetics Tuebingen
Classification: Uncertain significance. Last evaluated: 2026-08-01. Review status: criteria provided, single submitter. Criteria: CeGaT Center For Human Genetics Tuebingen Variant Classification Criteria Version 2. Collection method: clinical testing. Allele origin: germline. Affected: yes. Observed: 1 variant allele.
Comment: TTN: PM2